The following is an entry in ClinVar:

ClinVar aggregate classification (germline): Conflicting classifications of pathogenicity. Review status: criteria provided, conflicting classifications (1 of 4 stars). 5 submissions from 5 submitters: Uncertain significance (2); Likely benign (1). 2 of the submissions do not count toward it. Last evaluated 2026-05-07.

Conditions:
ALPK3-related disorder. Also called: ALPK3-related condition.
Cardiovascular phenotype. Identifiers: MedGen CN230736.

Allele frequency attached by ClinVar (database versions not stated): gnomAD exomes below 0.00001; gnomAD 0.00001; TOPMed 0.00003.
gnomAD v4.1: 8 of 1,601,722 alleles (0.0005%); highest among the groups gnomAD compares: Non-Finnish European, 0.00068%; no homozygotes.

Submissions (5):

PreventionGenetics, part of Exact Sciences
Classification: Uncertain significance for ALPK3-related condition. Last evaluated: 2026-05-07. Review status: criteria provided, single submitter. Criteria: ACMG Guidelines, 2015. Collection method: clinical testing. Allele origin: germline.
Comment: The ALPK3 c.1034G>A variant is predicted to result in the amino acid substitution p.Arg345Gln. To our knowledge, this variant has not been reported in the literature or in a large population database (gnomAD), indicating this variant is rare. At this time, the clinical significance of this variant is uncertain due to the absence of conclusive functional and genetic evidence.

Labcorp Genetics (formerly Invitae), Labcorp
Classification: Uncertain significance. Last evaluated: 2025-08-11. Review status: criteria provided, single submitter. Criteria: Invitae Variant Classification Sherloc (09022015). Collection method: clinical testing. Allele origin: germline.
Comment: This sequence change replaces arginine, which is basic and polar, with glutamine, which is neutral and polar, at codon 345 of the ALPK3 protein (p.Arg345Gln). This variant is not present in population databases (gnomAD no frequency). This variant has not been reported in the literature in individuals affected with ALPK3-related conditions. ClinVar contains an entry for this variant (Variation ID: 1284688). An algorithm developed to predict the effect of missense changes on protein structure and function outputs the following: PolyPhen-2: "Benign". The glutamine amino acid residue is found in multiple mammalian species, which suggests that this missense change does not adversely affect protein function. In summary, the available evidence is currently insufficient to determine the role of this variant in disease. Therefore, it has been classified as a Variant of Uncertain Significance.

Ambry Genetics
Classification: Likely benign for Cardiovascular phenotype. Last evaluated: 2024-12-13. Review status: criteria provided, single submitter. Criteria: Ambry Variant Classification Scheme 2023. Collection method: clinical testing. Allele origin: germline.

Clinical Genetics, Academic Medical Center
Classification: Uncertain significance. Review status: no assertion criteria provided. Collection method: clinical testing. Allele origin: germline. Affected: yes. Study: VKGL Data-share Consensus. Not counted in ClinVar's aggregate classification.

Diagnostic Laboratory, Department of Genetics, University Medical Center Groningen
Classification: Uncertain significance. Review status: no assertion criteria provided. Collection method: clinical testing. Allele origin: germline. Affected: yes. Study: VKGL Data-share Consensus. Not counted in ClinVar's aggregate classification.

NM_020778.5(ALPK3):c.428G>A (p.Arg143Gln)

Gene: ALPK3 (alpha kinase 3; plus strand). Cytogenetic location: 15q25.3.
Variant type: single nucleotide variant.
Coding change: c.428G>A on transcript NM_020778.5 (MANE Select); coding-DNA position 428, G replaced by A.
Protein change: p.Arg143Gln; replaces arginine 143 with glutamine.
Molecular consequence: missense variant.
Genome position (GRCh38, 1-based): chr15:84,839,707, G>A. VCF-style: chr15-84839707-G-A. GRCh37 (hg19) VCF-style: chr15-85382938-G-A.
Other names: c.1034G>A (NM_020778.4); short protein forms R143Q.
Identifiers: ClinVar variation 1284688 (VCV001284688.11), dbSNP rs372329290, ClinGen allele CA273664918.
Genomic context (GRCh38, chr15:84,839,707, plus strand): 5'-GGGGGCTCTCACCTCCCAGGAGGGGAGAGGTGGCACCTCCCGCTCCTACCTCTAGGTGTC[G>A]AGAAGAAGATGCCGCCATCTACCAGGCCTCTGCCCAGAACAGCAAGGGCATTGTGTCCTG-3'
Protein context (NP_065829.4, residues 133-153): NRHTLQLYRC[Arg143Gln]EEDAAIYQAS